The following is an entry in ClinVar:

NM_002907.4(RECQL):c.143A>G (p.Gln48Arg)

Gene: RECQL (RecQ like helicase; minus strand). Cytogenetic location: 12p12.1.
Variant type: single nucleotide variant.
Coding change: c.143A>G on transcript NM_002907.4 (MANE Select); coding-DNA position 143, A replaced by G.
Protein change: p.Gln48Arg; replaces glutamine 48 with arginine.
Molecular consequence: missense variant.
Genome position (GRCh38, 1-based): chr12:21,491,590, T>C on the plus strand (A>G on the coding strand, the complement: RECQL is on the minus strand). VCF-style: chr12-21491590-T-C. GRCh37 (hg19) VCF-style: chr12-21644524-T-C.
Other names: c.143A>G (NM_002907.3); c.143A>G, p.Gln48Arg (NM_032941.3); short protein forms Q48R.
Identifiers: ClinVar variation 2172713 (VCV002172713.6), dbSNP rs1442442109, ClinGen allele CA384134422.
Genomic context (GRCh38, chr12:21,491,590, plus strand): 5'-CAAGCGGCAGGTGAAGAATCATATTCATTGCTTGCCCCGGCATCAGAATCCTCTAAACAC[T>C]GCTTTATTTTCTTTGTCAGGACTTTTTTTTTCTGAATAAGCTCTTGTTGCCTTTCCGTAA-3'
Protein context (NP_002898.2, residues 38-58): KKKVLTKKIK[Gln48Arg]CLEDSDAGAS

ClinVar aggregate classification (germline): Uncertain significance. Review status: criteria provided, multiple submitters, no conflicts (2 of 4 stars). 2 submissions from 2 submitters: Uncertain significance (2). Last evaluated 2026-04-28.

gnomAD v4.1: 3 of 1,613,868 alleles (0.00019%); highest among the groups gnomAD compares: Admixed American, 0.0017%; no homozygotes.

Submissions (2):

Ambry Genetics
Classification: Uncertain significance. Last evaluated: 2026-04-28. Review status: criteria provided, single submitter. Criteria: Ambry Variant Classification Scheme 2023. Collection method: clinical testing. Allele origin: germline.
Comment: The p.Q48R variant (also known as c.143A>G), located in coding exon 2 of the RECQL gene, results from an A to G substitution at nucleotide position 143. The glutamine at codon 48 is replaced by arginine, an amino acid with highly similar properties. This amino acid position is conserved. In addition, this alteration is predicted to be tolerated by in silico analysis. Based on the available evidence, the clinical significance of this variant remains unclear.

Labcorp Genetics (formerly Invitae), Labcorp
Classification: Uncertain significance. Last evaluated: 2022-04-17. Review status: criteria provided, single submitter. Criteria: Invitae Variant Classification Sherloc (09022015). Collection method: clinical testing. Allele origin: germline.
Comment: In summary, the available evidence is currently insufficient to determine the role of this variant in disease. Therefore, it has been classified as a Variant of Uncertain Significance. Algorithms developed to predict the effect of missense changes on protein structure and function (SIFT, PolyPhen-2, Align-GVGD) all suggest that this variant is likely to be tolerated. This variant has not been reported in the literature in individuals affected with RECQL-related conditions. This variant is present in population databases (no rsID available, gnomAD 0.01%). This sequence change replaces glutamine, which is neutral and polar, with arginine, which is basic and polar, at codon 48 of the RECQL protein (p.Gln48Arg).